The following is an entry in ClinVar:

ClinVar aggregate classification (germline): Uncertain significance (1 of 4 stars; one submission).

gnomAD v4.1: 4 of 1,613,908 alleles (0.00025%); highest among the groups gnomAD compares: Non-Finnish European, 0.00034%; no homozygotes.

Submission:

Women's Health and Genetics/Laboratory Corporation of America, LabCorp
Classification: Uncertain significance. Last evaluated: 2025-12-04. Review status: criteria provided, single submitter. Criteria: LabCorp Variant Classification Summary - May 2015. Collection method: clinical testing. Allele origin: germline.
Comment: Variant summary: SLC12A3 c.470T>C (p.Leu157Pro) results in a non-conservative amino acid change in the encoded protein sequence. Algorithms developed to predict the effect of missense changes on protein structure and function all suggest that this variant is likely to be disruptive. The variant allele was found at a frequency of 8e-06 in 250484 control chromosomes (gnomAD). The available data on variant occurrences in the general population are insufficient to allow any conclusion about variant significance. c.470T>C has been observed in at least one individual affected with clinical features of Familial Hypokalemia-Hypomagnesemia (Glaudemans_2011). These data do not allow any conclusion about variant significance. To our knowledge, no experimental evidence demonstrating an impact on protein function has been reported. The following publication have been ascertained in the context of this evaluation (PMID: 22009145). No submitters have cited clinical-significance assessments for this variant to ClinVar. Based on the evidence outlined above, the variant was classified as uncertain significance.

Literature cited by the submitters: PubMed 22009145.

NM_001126108.2(SLC12A3):c.470T>C (p.Leu157Pro)

Gene: SLC12A3 (solute carrier family 12 member 3; plus strand). Cytogenetic location: 16q13.
Variant type: single nucleotide variant.
Coding change: c.470T>C on transcript NM_001126108.2 (MANE Select); coding-DNA position 470, T replaced by C.
Protein change: p.Leu157Pro; replaces leucine 157 with proline.
Molecular consequence: missense variant.
Genome position (GRCh38, 1-based): chr16:56,868,337, T>C. VCF-style: chr16-56868337-T-C. GRCh37 (hg19) VCF-style: chr16-56902249-T-C.
Other names: c.470T>C, p.Leu157Pro (NM_000339.3); c.467T>C, p.Leu156Pro (NM_001126107.2, NM_001410896.1); short protein forms L156P, L157P.
Identifiers: ClinVar variation 4688562 (VCV004688562.1).